The following is an entry in ClinVar:

ClinVar aggregate classification (germline): Uncertain significance (1 of 4 stars; one submission).

Conditions:
Malignant hyperthermia, susceptibility to, 5 (MHS5). Also called: CACNA1S-Related Malignant Hyperthermia Susceptibility. Identifiers: Orphanet 423, MedGen C1866077, MONDO:0011163, OMIM 601887.
Hypokalemic periodic paralysis, type 1. Also called: Hypokalemic Periodic Paralysis Type 1 (AD); HypoPP. Identifiers: Orphanet 681, MedGen C3714580, MONDO:0042979, OMIM 170400.

Submission:

Labcorp Genetics (formerly Invitae), Labcorp
Classification: Uncertain significance for Hypokalemic periodic paralysis, type 1; Malignant hyperthermia, susceptibility to, 5. Last evaluated: 2022-04-12. Review status: criteria provided, single submitter. Criteria: Invitae Variant Classification Sherloc (09022015). Collection method: clinical testing. Allele origin: germline.
Comment: This variant has not been reported in the literature in individuals affected with CACNA1S-related conditions. In summary, the available evidence is currently insufficient to determine the role of this variant in disease. Therefore, it has been classified as a Variant of Uncertain Significance. Advanced modeling of protein sequence and biophysical properties (such as structural, functional, and spatial information, amino acid conservation, physicochemical variation, residue mobility, and thermodynamic stability) performed at Invitae indicates that this missense variant is not expected to disrupt CACNA1S protein function. This variant is not present in population databases (gnomAD no frequency). This sequence change replaces alanine, which is neutral and non-polar, with valine, which is neutral and non-polar, at codon 1444 of the CACNA1S protein (p.Ala1444Val).

NM_000069.3(CACNA1S):c.4331C>T (p.Ala1444Val)

Gene: CACNA1S (calcium voltage-gated channel subunit alpha1 S; minus strand). Cytogenetic location: 1q32.1.
Variant type: single nucleotide variant.
Coding change: c.4331C>T on transcript NM_000069.3 (MANE Select); coding-DNA position 4331, C replaced by T.
Protein change: p.Ala1444Val; replaces alanine 1444 with valine.
Molecular consequence: missense variant.
Genome position (GRCh38, 1-based): chr1:201,049,010, G>A on the plus strand (C>T on the coding strand, the complement: CACNA1S is on the minus strand). VCF-style: chr1-201049010-G-A. GRCh37 (hg19) VCF-style: chr1-201018138-G-A.
Other names: short protein forms A1444V.
Identifiers: ClinVar variation 2173885 (VCV002173885.4), dbSNP rs2464437730, ClinGen allele CA344145946.